The following is an entry in ClinVar:

ClinVar aggregate classification (germline): Uncertain significance (1 of 4 stars; one submission).

Conditions:
Brugada syndrome. Also called: Sudden unexplained nocturnal death syndrome; Sudden Unexplained Death Syndrome; Sudden Unexplained Nocturnal Death Syndrome (SUNDS); Sudden unexpected nocturnal death syndrome. Identifiers: Orphanet 130, MedGen C1142166, MONDO:0015263.

Allele frequency attached by ClinVar (database versions not stated): gnomAD exomes below 0.00001; ExAC 0.00001.
gnomAD v4.1: 3 of 1,564,350 alleles (0.00019%); highest among the groups gnomAD compares: Non-Finnish European, 0.00026%; no homozygotes.

Submission:

Labcorp Genetics (formerly Invitae), Labcorp
Classification: Uncertain significance for Brugada syndrome. Last evaluated: 2018-03-27. Review status: criteria provided, single submitter. Criteria: Invitae Variant Classification Sherloc (09022015). Collection method: clinical testing. Allele origin: germline.
Comment: Algorithms developed to predict the effect of missense changes on protein structure and function (SIFT, PolyPhen-2, Align-GVGD) all suggest that this variant is likely to be tolerated, but these predictions have not been confirmed by published functional studies and their clinical significance is uncertain. This variant has not been reported in the literature in individuals with SLMAP-related disease. The frequency data for this variant in the population databases is considered unreliable, as metrics indicate poor data quality at this position in the ExAC database. This sequence change replaces serine with glycine at codon 235 of the SLMAP protein (p.Ser235Gly). The serine residue is moderately conserved and there is a small physicochemical difference between serine and glycine. In summary, the available evidence is currently insufficient to determine the role of this variant in disease. Therefore, it has been classified as a Variant of Uncertain Significance.

NM_001377540.1(SLMAP):c.703A>G (p.Ser235Gly)

Gene: SLMAP (sarcolemma associated protein; plus strand). Cytogenetic location: 3p14.3.
Variant type: single nucleotide variant.
Coding change: c.703A>G on transcript NM_001377540.1 (MANE Select); coding-DNA position 703, A replaced by G.
Protein change: p.Ser235Gly; replaces serine 235 with glycine.
Molecular consequence: missense variant. On other transcripts: non-coding transcript variant (1).
Genome position (GRCh38, 1-based): chr3:57,860,714, A>G. VCF-style: chr3-57860714-A-G. GRCh37 (hg19) VCF-style: chr3-57846441-A-G.
Other names: c.703A>G, p.Ser235Gly (NM_001304420.3, NM_001304421.2, NM_001377538.1 and 17 more transcripts); short protein forms S235G.
Identifiers: ClinVar variation 567563 (VCV000567563.5), dbSNP rs774215191, ClinGen allele CA2466909.